The following is an entry in ClinVar:

ClinVar aggregate classification (germline): Uncertain significance (1 of 4 stars; one submission).

Conditions:
Cardiovascular phenotype. Identifiers: MedGen CN230736.

Submission:

Ambry Genetics
Classification: Uncertain significance for Cardiovascular phenotype. Last evaluated: 2026-05-17. Review status: criteria provided, single submitter. Criteria: Ambry Variant Classification Scheme 2023. Collection method: clinical testing. Allele origin: germline.
Comment: The p.I1659L variant (also known as c.4975A>C), located in coding exon 36 of the ABCA1 gene, results from an A to C substitution at nucleotide position 4975. The isoleucine at codon 1659 is replaced by leucine, an amino acid with highly similar properties. This amino acid position is conserved. In addition, the in silico prediction for this alteration is inconclusive. Based on the available evidence, the clinical significance of this variant remains unclear.

NM_005502.4(ABCA1):c.4975A>C (p.Ile1659Leu)

Gene: ABCA1 (ATP binding cassette subfamily A member 1; minus strand). Cytogenetic location: 9q31.1.
Variant type: single nucleotide variant.
Coding change: c.4975A>C on transcript NM_005502.4 (MANE Select); coding-DNA position 4975, A replaced by C.
Protein change: p.Ile1659Leu; replaces isoleucine 1659 with leucine.
Molecular consequence: missense variant.
Genome position (GRCh38, 1-based): chr9:104,798,567, T>G on the plus strand (A>C on the coding strand, the complement: ABCA1 is on the minus strand). VCF-style: chr9-104798567-T-G. GRCh37 (hg19) VCF-style: chr9-107560848-T-G.
Other names: short protein forms I1659L.
Identifiers: ClinVar variation 4868808 (VCV004868808.1).